The following is an entry in ClinVar:

ClinVar aggregate classification (germline): Likely benign. Review status: criteria provided, multiple submitters, no conflicts (2 of 4 stars). 3 submissions from 3 submitters: Likely benign (3). Last evaluated 2025-04-14.

Allele frequency attached by ClinVar (database versions not stated): ESP Exome Variant Server 0.00008; gnomAD 0.00010 and 0.00013; gnomAD exomes 0.00010 and 0.00020; TOPMed 0.00011; 1000 Genomes Project 30x 0.00016; 1000 Genomes Project 0.00020; ExAC 0.00020.

Submissions (3):

Labcorp Genetics (formerly Invitae), Labcorp
Classification: Likely benign. Last evaluated: 2025-04-14. Review status: criteria provided, single submitter. Criteria: Invitae Variant Classification Sherloc (09022015). Collection method: clinical testing. Allele origin: germline.

CeGaT Center for Human Genetics Tuebingen
Classification: Likely benign. Last evaluated: 2024-10-01. Review status: criteria provided, single submitter. Criteria: CeGaT Center For Human Genetics Tuebingen Variant Classification Criteria Version 2. Collection method: clinical testing. Allele origin: germline. Affected: yes. Observed: 1 variant allele.
Comment: FAT1: BP4, BP7

Blueprint Genetics
Classification: Likely benign. Last evaluated: 2024-07-11. Review status: criteria provided, single submitter. Criteria: ACMG Guidelines, 2015. Collection method: clinical testing. Allele origin: germline.

NM_005245.4(FAT1):c.10557T>C (p.Asp3519=)

Genes: FAT1 (FAT atypical cadherin 1; minus strand), LOC126807254 (BRD4-independent group 4 enhancer GRCh37_chr4:187524269-187525468; plus strand). Cytogenetic location: 4q35.2.
Variant type: single nucleotide variant.
Coding change: c.10557T>C on transcript NM_005245.4 (MANE Select); coding-DNA position 10557, T replaced by C.
Protein change: p.Asp3519=; no amino-acid change (aspartic acid 3519 retained).
Molecular consequence: synonymous variant.
Genome position (GRCh38, 1-based): chr4:186,603,969, A>G on the plus strand (T>C on the coding strand, the complement: FAT1 is on the minus strand). VCF-style: chr4-186603969-A-G. GRCh37 (hg19) VCF-style: chr4-187525123-A-G.
Identifiers: ClinVar variation 1569874 (VCV001569874.23), dbSNP rs374694210, ClinGen allele CA3165319.
Genomic context (GRCh38, chr4:186,603,969, plus strand): 5'-GCTCTCCTCAATTACCCTAATGTCAATGTATGTCAAAGATGACAACTGAGGCTTTCCATT[A>G]TCTGCCACCTACAAGAAAAGAAAAATAAAATCACCTTTGTCTATGGCACTGTTTATAACT-3'
Protein context (NP_005236.2, residues 3509-3529): DHYLLQVKVA[Asp3519=]NGKPQLSSLT